The following is an entry in ClinVar:

NM_170606.3(KMT2C):c.4318A>G (p.Thr1440Ala)

Gene: KMT2C (lysine methyltransferase 2C; minus strand). Cytogenetic location: 7q36.1.
Variant type: single nucleotide variant.
Coding change: c.4318A>G on transcript NM_170606.3 (MANE Select); coding-DNA position 4318, A replaced by G.
Protein change: p.Thr1440Ala; replaces threonine 1440 with alanine.
Molecular consequence: missense variant.
Genome position (GRCh38, 1-based): chr7:152,195,967, T>C on the plus strand (A>G on the coding strand, the complement: KMT2C is on the minus strand). VCF-style: chr7-152195967-T-C. GRCh37 (hg19) VCF-style: chr7-151893052-T-C.
Other names: short protein forms T1440A.
Identifiers: ClinVar variation 2088977 (VCV002088977.4), dbSNP rs1410419397, ClinGen allele CA370106352.
Genomic context (GRCh38, chr7:152,195,967, plus strand): 5'-CTGAATGATCAACTGATTTTGCTAGATCATCTGAAATTATTCCAAGAATGTCATCATCTG[T>C]GTTTAAAACTTCAGAAATATCAGCTAATGGGTCATCAGCAGGACCTAAATATAGTAAATA-3'
Protein context (NP_733751.2, residues 1430-1450): PLADISEVLN[Thr1440Ala]DDDILGIISD

ClinVar aggregate classification (germline): Uncertain significance (1 of 4 stars; one submission).

Allele frequency attached by ClinVar (database versions not stated): TOPMed below 0.00001.
gnomAD v4.1: 1 of 1,610,512 alleles (0.000062%); highest among the groups gnomAD compares: Non-Finnish European, 0.000085%; no homozygotes.

Submission:

Labcorp Genetics (formerly Invitae), Labcorp
Classification: Uncertain significance. Last evaluated: 2022-03-10. Review status: criteria provided, single submitter. Criteria: Invitae Variant Classification Sherloc (09022015). Collection method: clinical testing. Allele origin: germline.
Comment: This sequence change replaces threonine, which is neutral and polar, with alanine, which is neutral and non-polar, at codon 1440 of the KMT2C protein (p.Thr1440Ala). This variant is not present in population databases (gnomAD no frequency). This variant has not been reported in the literature in individuals affected with KMT2C-related conditions. Algorithms developed to predict the effect of missense changes on protein structure and function are either unavailable or do not agree on the potential impact of this missense change (SIFT: "Deleterious"; PolyPhen-2: "Possibly Damaging"; Align-GVGD: "Class C0"). In summary, the available evidence is currently insufficient to determine the role of this variant in disease. Therefore, it has been classified as a Variant of Uncertain Significance.